The following is an entry in ClinVar:

NM_003036.4(SKI):c.104C>T (p.Pro35Leu)

Gene: SKI (SKI proto-oncogene; plus strand). Cytogenetic location: 1p36.33.
Variant type: single nucleotide variant.
Coding change: c.104C>T on transcript NM_003036.4 (MANE Select); coding-DNA position 104, C replaced by T.
Protein change: p.Pro35Leu; replaces proline 35 with leucine.
Molecular consequence: missense variant.
Genome position (GRCh38, 1-based): chr1:2,228,870, C>T. VCF-style: chr1-2228870-C-T. GRCh37 (hg19) VCF-style: chr1-2160309-C-T.
Other names: short protein forms P35L.
Identifiers: ClinVar variation 3686637 (VCV003686637.2).

ClinVar aggregate classification (germline): Likely pathogenic (1 of 4 stars; one submission).

Conditions:
Shprintzen-Goldberg syndrome (SGS). Also called: Marfanoid disorder with craniosynostosis type 1; Marfanoid craniosynostosis syndrome; Shprintzen-Goldberg marfanoid syndrome; SHPRINTZEN-GOLDBERG CRANIOSYNOSTOSIS SYNDROME; CRANIOSYNOSTOSIS WITH ARACHNODACTYLY AND ABDOMINAL HERNIAS. Identifiers: Orphanet 2462, MedGen C1321551, MONDO:0008426, OMIM 182212.

gnomAD v4.1: 1 of 1,430,318 alleles (0.00007%); highest among the groups gnomAD compares: Non-Finnish European, 0.000092%; no homozygotes.

Submission:

Labcorp Genetics (formerly Invitae), Labcorp
Classification: Likely pathogenic for Shprintzen-Goldberg syndrome. Last evaluated: 2024-03-30. Review status: criteria provided, single submitter. Criteria: Invitae Variant Classification Sherloc (09022015). Collection method: clinical testing. Allele origin: germline.
Comment: This sequence change replaces proline, which is neutral and non-polar, with leucine, which is neutral and non-polar, at codon 35 of the SKI protein (p.Pro35Leu). This variant is not present in population databases (gnomAD no frequency). This variant has not been reported in the literature in individuals affected with SKI-related conditions. Advanced modeling of protein sequence and biophysical properties (such as structural, functional, and spatial information, amino acid conservation, physicochemical variation, residue mobility, and thermodynamic stability) performed at Invitae indicates that this missense variant is expected to disrupt SKI protein function with a positive predictive value of 95%. This variant disrupts the p.Pro35 amino acid residue in SKI. Other variant(s) that disrupt this residue have been determined to be pathogenic (PMID: 23023332, 23103230, 24357594, 24736733). This suggests that this residue is clinically significant, and that variants that disrupt this residue are likely to be disease-causing. In summary, the currently available evidence indicates that the variant is pathogenic, but additional data are needed to prove that conclusively. Therefore, this variant has been classified as Likely Pathogenic.

Literature cited by the submitters: PubMed 23023332; PubMed 23103230; PubMed 24357594; PubMed 24736733.